The following is an entry in ClinVar:

ClinVar aggregate classification (germline): Uncertain significance (1 of 4 stars; one submission).

Conditions:
Menke-Hennekam syndrome 1 (MKHK1). Identifiers: MedGen C5193034, MONDO:0020763, OMIM 618332.
Rubinstein-Taybi syndrome due to CREBBP mutations (RSTS1). Also called: RUBINSTEIN SYNDROME; Rubinstein-Taybi syndrome 1; RUBINSTEIN-TAYBI SYNDROME 1, INCOMPLETE; BROAD THUMBS AND GREAT TOES, CHARACTERISTIC FACIES, AND IMPAIRED INTELLECTUAL DEVELOPMENT; CREBBP-Related Rubinstein-Taybi Syndrome; BROAD THUMB-HALLUX SYNDROME. Identifiers: Orphanet 353277, Orphanet 783, MedGen C4551859, MONDO:0008393, OMIM 180849.

Submission:

Juno Genomics, Hangzhou Juno Genomics, Inc
Classification: Uncertain significance for Rubinstein-Taybi syndrome due to CREBBP mutations; Menke-Hennekam syndrome 1. Review status: criteria provided, single submitter. Criteria: ACMG Guidelines, 2015. Collection method: clinical testing. Allele origin: germline.

NM_004380.3(CREBBP):c.3779+5G>A

Gene: CREBBP (CREB binding lysine acetyltransferase; minus strand). Cytogenetic location: 16p13.3.
Variant type: single nucleotide variant.
Coding change: c.3779+5G>A on transcript NM_004380.3 (MANE Select); 5 bases into the intron after coding-DNA position 3779, G replaced by A.
Molecular consequence: intron variant.
Genome position (GRCh38, 1-based): chr16:3,751,721, C>T on the plus strand (G>A on the coding strand, the complement: CREBBP is on the minus strand). VCF-style: chr16-3751721-C-T. GRCh37 (hg19) VCF-style: chr16-3801722-C-T.
Other names: c.3665+5G>A (NM_001079846.1).
Identifiers: ClinVar variation 5019390 (VCV005019390.2).